The following is an entry in ClinVar:

NM_018975.4(TERF2IP):c.544G>T (p.Asp182Tyr)

Gene: TERF2IP (TERF2 interacting protein; plus strand). Cytogenetic location: 16q23.1.
Variant type: single nucleotide variant.
Coding change: c.544G>T on transcript NM_018975.4 (MANE Select); coding-DNA position 544, G replaced by T.
Protein change: p.Asp182Tyr; replaces aspartic acid 182 with tyrosine.
Molecular consequence: missense variant. On other transcripts: non-coding transcript variant (1).
Genome position (GRCh38, 1-based): chr16:75,648,426, G>T. VCF-style: chr16-75648426-G-T. GRCh37 (hg19) VCF-style: chr16-75682324-G-T.
Other names: short protein forms D182Y.
Identifiers: ClinVar variation 3455135 (VCV003455135.1).

ClinVar aggregate classification (germline): Uncertain significance (1 of 4 stars; one submission).

gnomAD v4.1: 4 of 1,605,452 alleles (0.00025%); highest among the groups gnomAD compares: Non-Finnish European, 0.00034%; no homozygotes.

Submission:

Ambry Genetics
Classification: Uncertain significance. Last evaluated: 2024-11-02. Review status: criteria provided, single submitter. Criteria: Ambry Variant Classification Scheme 2023. Collection method: clinical testing. Allele origin: germline.
Comment: The p.D182Y variant (also known as c.544G>T), located in coding exon 1 of the TERF2IP gene, results from a G to T substitution at nucleotide position 544. The aspartic acid at codon 182 is replaced by tyrosine, an amino acid with highly dissimilar properties. This amino acid position is conserved. In addition, the in silico prediction for this alteration is inconclusive. Based on the available evidence, the clinical significance of this variant remains unclear.